The following is an entry in ClinVar:

NM_139318.5(KCNH5):c.433+1_433+3delinsATT

Gene: KCNH5 (potassium voltage-gated channel subfamily H member 5; minus strand). Cytogenetic location: 14q23.2.
Variant type: Indel.
Coding change: c.433+1_433+3delinsATT on transcript NM_139318.5 (MANE Select); the canonical splice donor site of the intron after coding-DNA position 433 through 3 bases into the intron after coding-DNA position 433, GTA replaced by ATT.
Molecular consequence: splice donor variant.
Genome position (GRCh38, 1-based): chr14:63,001,328-63,001,330, TAC replaced by AAT on the plus strand (GTA replaced by ATT on the coding strand, the reverse complement: KCNH5 is on the minus strand). VCF-style: chr14-63001328-TAC-AAT. GRCh37 (hg19) VCF-style: chr14-63468046-TAC-AAT.
Other names: c.433+1_433+3delinsATT (NM_172375.3).
Identifiers: ClinVar variation 3901694 (VCV003901694.1).

ClinVar aggregate classification (germline): Uncertain significance (1 of 4 stars; one submission).

Submission:

GeneDx
Classification: Uncertain significance. Last evaluated: 2024-12-08. Review status: criteria provided, single submitter. Criteria: GeneDx Variant Classification Process June 2021. Collection method: clinical testing. Allele origin: germline. Affected: yes.
Comment: Not observed at significant frequency in large population cohorts (gnomAD); Canonical splice site variant with an unclear effect on protein function; Has not been previously published as pathogenic or benign to our knowledge